The following is an entry in ClinVar:

NM_003924.4(PHOX2B):c.409C>A (p.Leu137Ile)

Gene: PHOX2B (paired like homeobox 2B; minus strand). Cytogenetic location: 4p13.
Variant type: single nucleotide variant.
Coding change: c.409C>A on transcript NM_003924.4 (MANE Select); coding-DNA position 409, C replaced by A.
Protein change: p.Leu137Ile; replaces leucine 137 with isoleucine.
Molecular consequence: missense variant.
Genome position (GRCh38, 1-based): chr4:41,747,369, G>T on the plus strand (C>A on the coding strand, the complement: PHOX2B is on the minus strand). VCF-style: chr4-41747369-G-T. GRCh37 (hg19) VCF-style: chr4-41749386-G-T.
Other names: short protein forms L137I.
Identifiers: ClinVar variation 5026602 (VCV005026602.1).

ClinVar aggregate classification (germline): Uncertain significance (1 of 4 stars; one submission).

Conditions:
Hereditary cancer-predisposing syndrome. Also called: Neoplastic Syndromes, Hereditary; Tumor predisposition; Hereditary neoplastic syndrome; Hereditary Cancer Syndrome. Identifiers: Orphanet 140162, MedGen C0027672, MeSH D009386, MONDO:0015356.

Submission:

Ambry Genetics
Classification: Uncertain significance for Hereditary cancer-predisposing syndrome. Last evaluated: 2026-07-07. Review status: criteria provided, single submitter. Criteria: Ambry Variant Classification Scheme 2023. Collection method: clinical testing. Allele origin: germline.
Comment: The p.L137I variant (also known as c.409C>A), located in coding exon 2 of the PHOX2B gene, results from a C to A substitution at nucleotide position 409. The leucine at codon 137 is replaced by isoleucine, an amino acid with highly similar properties. This amino acid position is conserved. In addition, this alteration is predicted to be deleterious by in silico analysis. Based on the available evidence, the clinical significance of this variant remains unclear.